The following is an entry in ClinVar:

ClinVar aggregate classification (germline): Likely pathogenic (1 of 4 stars; one submission).

Conditions:
Ectodermal dysplasia 10A, hypohidrotic/hair/nail type, autosomal dominant (ECTD10A). Also called: Ectodermal Dysplasia 3, Anhidrotic. Identifiers: Orphanet 1810, Orphanet 238468, MedGen C3888065, MONDO:0007509, OMIM 129490.

Submission:

Center of Excellence in Precision Medicine and Digital Health (CEPMDH), Faculty of Dentistry, Chulalongkorn University
Classification: Likely pathogenic for Ectodermal dysplasia 10A, hypohidrotic/hair/nail type, autosomal dominant. Review status: criteria provided, single submitter. Criteria: ACMG Guidelines, 2015. Collection method: clinical testing. Allele origin: germline. Inheritance: Autosomal dominant inheritance. Affected: yes. Observed: 1 variant allele, 1 heterozygote.
Comment: This variant was absent in population databases, including gnomAD, TOPMed, GenomeAsia, and an in-house database of Thai exomes. Notably, frameshift variants in EDAR have previously been reported in patients with hypohidrotic ectodermal dysplasia (Callea et al. 2015, PMID: 24641098).

NM_022336.4(EDAR):c.1087_1088insGA (p.Thr363fs)

Genes: EDAR (ectodysplasin A receptor; minus strand), RANBP2 (RAN binding protein 2; plus strand). Cytogenetic location: 2q13.
Variant type: Insertion.
Coding change: c.1087_1088insGA on transcript NM_022336.4 (MANE Select); coding-DNA positions 1087 to 1088, GA inserted.
Protein change: p.Thr363fs; shifts the reading frame from threonine 363.
Molecular consequence: frameshift variant.
Genome position: GRCh38 VCF-style: chr2-108897166-G-GTC. GRCh37 (hg19) VCF-style: chr2-109513622-G-GTC.
Other names: short protein forms T363fs.
Identifiers: ClinVar variation 3381210 (VCV003381210.2).
Genomic context (GRCh38, chr2:108,897,166, plus strand): 5'-AGGCCGAAGCTCTCGGCGAGGTGGCGCCACGTTTTCACAACAGCCTTCTCAGAGTTGTAC[G>GTC]TGGAGCTGAGCATTCGGCTAGTCTTCTCGAGGCAATCAAATGGCAGCTCCGTGGGGCTAA-3'